The following is an entry in ClinVar:

ClinVar aggregate classification (germline): Benign/Likely benign. Review status: criteria provided, multiple submitters, no conflicts (2 of 4 stars). 7 submissions from 7 submitters: Benign (4); Likely benign (2). 1 of the submissions does not count toward it. Last evaluated 2026-05-27.

Conditions:
CHD7-related disorder. Also called: CHD7-related condition.
CHARGE syndrome (CHARGE). Also called: Hittner Hirsch Kreh syndrome; CHARGE ASSOCIATION--COLOBOMA, HEART ANOMALY, CHOANAL ATRESIA, RETARDATION, GENITAL AND EAR ANOMALIES; Coloboma, heart anomaly, choanal atresia, retardation, genital and ear anomalies; CHARGE association; Hall-Hittner syndrome. Identifiers: Orphanet 138, MedGen C0265354, MONDO:0008965.
Intellectual disability. Also called: Intellectual functioning disability; intellectual disabilities; Intellectual developmental disorder. Identifiers: MedGen C3714756, MeSH D008607, MONDO:0001071, HP:0001249.

Allele frequency attached by ClinVar (database versions not stated): gnomAD exomes 0.00020 and 0.00012; ExAC 0.00028; gnomAD 0.00001 and 0.00004; TOPMed 0.00002.
gnomAD v4.1: 185 of 1,613,228 alleles (0.011%); highest among the groups gnomAD compares: South Asian, 0.16%; 6 homozygotes.

Submissions (7):

PreventionGenetics, part of Exact Sciences
Classification: Likely benign for CHD7-related condition. Last evaluated: 2026-05-27. Review status: criteria provided, single submitter. Criteria: ACMG Guidelines, 2015. Collection method: clinical testing. Allele origin: germline.
Comment: This variant is classified as likely benign based on ACMG/AMP sequence variant interpretation guidelines (Richards et al. 2015 PMID: 25741868, with internal and published modifications).

CeGaT Center for Human Genetics Tuebingen
Classification: Benign. Last evaluated: 2026-03-01. Review status: criteria provided, single submitter. Criteria: CeGaT Center For Human Genetics Tuebingen Variant Classification Criteria Version 2. Collection method: clinical testing. Allele origin: germline. Affected: yes. Observed: 1 variant allele.
Comment: CHD7: BS1, BS2

Labcorp Genetics (formerly Invitae), Labcorp
Classification: Benign for CHARGE syndrome. Last evaluated: 2025-12-02. Review status: criteria provided, single submitter. Criteria: Invitae Variant Classification Sherloc (09022015). Collection method: clinical testing. Allele origin: germline.

Laboratory of Genetics, Children's Clinical University Hospital Latvia
Classification: Benign. Last evaluated: 2025-02-16. Review status: criteria provided, single submitter. Criteria: ACMG Guidelines, 2015. Collection method: clinical testing. Allele origin: germline. Affected: yes.

Blueprint Genetics
Classification: Likely benign. Last evaluated: 2024-04-29. Review status: criteria provided, single submitter. Criteria: ACMG Guidelines, 2015. Collection method: clinical testing. Allele origin: germline.

GeneDx
Classification: Benign. Last evaluated: 2021-07-27. Review status: criteria provided, single submitter. Criteria: GeneDx Variant Classification Process June 2021. Collection method: clinical testing. Allele origin: germline. Affected: yes.
Comment: This variant is associated with the following publications: (PMID: 25472840, 27391121)

Centre de Biologie Pathologie Génétique, Centre Hospitalier Universitaire de Lille
Classification: Likely benign for Intellectual disability. Last evaluated: 2019-01-01. Review status: no assertion criteria provided. Collection method: clinical testing. Allele origin: inherited. Affected: yes. Not counted in ClinVar's aggregate classification.

NM_017780.4(CHD7):c.5689G>A (p.Glu1897Lys)

Gene: CHD7 (chromodomain helicase DNA binding protein 7; plus strand). Cytogenetic location: 8q12.2.
Variant type: single nucleotide variant.
Coding change: c.5689G>A on transcript NM_017780.4 (MANE Select); coding-DNA position 5689, G replaced by A.
Protein change: p.Glu1897Lys; replaces glutamic acid 1897 with lysine.
Molecular consequence: missense variant. On other transcripts: intron variant (1).
Genome position (GRCh38, 1-based): chr8:60,852,042, G>A. VCF-style: chr8-60852042-G-A. GRCh37 (hg19) VCF-style: chr8-61764601-G-A.
Other names: c.1717-10187G>A (NM_001316690.1); short protein forms E1897K.
Identifiers: ClinVar variation 699851 (VCV000699851.20), dbSNP rs766110936, ClinGen allele CA4760446.
Genomic context (GRCh38, chr8:60,852,042, plus strand): 5'-AGCTACACATTTCAAAAATGTTTTTCCACTTCCCCAGGCAAGCACAGTGAGAGTAATGCT[G>A]AGTTAGGCCAACTTTACTGGCCTAACACTTCAACCCTGACTACACGTCTGCGCCGGCTCA-3'
Protein context (NP_060250.2, residues 1887-1907): ATGKHSESNA[Glu1897Lys]LGQLYWPNTS